The following is an entry in ClinVar:

NM_000551.4(VHL):c.298del (p.Thr100fs)

Gene: VHL (von Hippel-Lindau tumor suppressor; plus strand). Cytogenetic location: 3p25.3.
Variant type: Deletion.
Coding change: c.298del on transcript NM_000551.4 (MANE Select); coding-DNA position 298, one base deleted (A; older notation c.298delA).
Protein change: p.Thr100fs; shifts the reading frame from threonine 100.
Molecular consequence: frameshift variant.
Genome position (GRCh38, 1-based): chr3:10,142,145, A deleted; the last of 2 consecutive A bases (chr3:10,142,144-10,142,145); deleting either gives the same sequence. VCF-style (leftmost placement, unchanged base first): chr3-10142143-CA-C. GRCh37 (hg19) VCF-style: chr3-10183827-CA-C.
Other names: c.298del, p.Thr100fs (NM_001354723.2, NM_198156.3); short protein forms T100fs.
Identifiers: ClinVar variation 1076108 (VCV001076108.7), dbSNP rs2125125269, ClinGen allele CA432420522.

ClinVar aggregate classification (germline): Pathogenic (1 of 4 stars; one submission).

Conditions:
Von Hippel-Lindau syndrome (VHLS). Also called: von Hippel–Lindau syndrome; VHL syndrome; Von Hippel-Lindau. Identifiers: Orphanet 892, MedGen C0019562, MONDO:0008667, OMIM 193300. Disease mechanism: loss of function.
Chuvash polycythemia. Also called: POLYCYTHEMIA, VHL-DEPENDENT. Identifiers: Orphanet 238557, MedGen C1837915, MONDO:0009892, OMIM 263400.

Submission:

Labcorp Genetics (formerly Invitae), Labcorp
Classification: Pathogenic for Von Hippel-Lindau syndrome; Chuvash polycythemia. Last evaluated: 2020-08-14. Review status: criteria provided, single submitter. Criteria: Invitae Variant Classification Sherloc (09022015). Collection method: clinical testing. Allele origin: germline.
Comment: For these reasons, this variant has been classified as Pathogenic. Loss-of-function variants in VHL are known to be pathogenic (PMID: 8956040, 12202531). This variant has not been reported in the literature in individuals with VHL-related conditions. This variant is not present in population databases (ExAC no frequency). This sequence change creates a premature translational stop signal (p.Thr100Argfs*59) in the VHL gene. It is expected to result in an absent or disrupted protein product.

Literature cited by the submitters: PubMed 8956040; PubMed 12202531.